The following is an entry in ClinVar:

NM_001037333.3(CYFIP2):c.621G>A (p.Ser207=)

Gene: CYFIP2 (cytoplasmic FMR1 interacting protein 2; plus strand). Cytogenetic location: 5q33.3.
Variant type: single nucleotide variant.
Coding change: c.621G>A on transcript NM_001037333.3 (MANE Select); coding-DNA position 621, G replaced by A.
Protein change: p.Ser207=; no amino-acid change (serine 207 retained).
Molecular consequence: synonymous variant.
Genome position (GRCh38, 1-based): chr5:157,302,845, G>A. VCF-style: chr5-157302845-G-A. GRCh37 (hg19) VCF-style: chr5-156729853-G-A.
Other names: c.543G>A, p.Ser181= (NM_001291721.2); c.621G>A, p.Ser207= (NM_001291722.2, NM_014376.4).
Identifiers: ClinVar variation 1616097 (VCV001616097.33), dbSNP rs199855067, ClinGen allele CA3533398.

ClinVar aggregate classification (germline): Benign/Likely benign. Review status: criteria provided, multiple submitters, no conflicts (2 of 4 stars). 3 submissions from 3 submitters: Benign (1); Likely benign (2). Last evaluated 2026-01-27.

Allele frequency attached by ClinVar (database versions not stated): 1000 Genomes Project 30x 0.00016; 1000 Genomes Project 0.00020; ESP Exome Variant Server 0.00071.

Submissions (3):

Labcorp Genetics (formerly Invitae), Labcorp
Classification: Benign. Last evaluated: 2026-01-27. Review status: criteria provided, single submitter. Criteria: Invitae Variant Classification Sherloc (09022015). Collection method: clinical testing. Allele origin: germline.

Blueprint Genetics
Classification: Likely benign. Last evaluated: 2024-11-20. Review status: criteria provided, single submitter. Criteria: ACMG Guidelines, 2015. Collection method: clinical testing. Allele origin: germline.

CeGaT Center for Human Genetics Tuebingen
Classification: Likely benign. Last evaluated: 2024-09-01. Review status: criteria provided, single submitter. Criteria: CeGaT Center For Human Genetics Tuebingen Variant Classification Criteria Version 2. Collection method: clinical testing. Allele origin: germline. Affected: yes. Observed: 4 variant alleles.
Comment: CYFIP2: BP4, BP7